The following is an entry in ClinVar:

ClinVar aggregate classification (germline): Uncertain significance (1 of 4 stars; one submission).

Submission:

GeneDx
Classification: Uncertain significance. Last evaluated: 2025-11-11. Review status: criteria provided, single submitter. Criteria: GeneDx Variant Classification Process June 2021. Collection method: clinical testing. Allele origin: germline.
Comment: Has not been previously published as pathogenic or benign to our knowledge; Not observed at significant frequency in large population cohorts (gnomAD); In silico analysis supports that this missense variant has a deleterious effect on protein structure/function

NM_003128.3(SPTBN1):c.5881G>T (p.Asp1961Tyr)

Gene: SPTBN1 (spectrin beta, non-erythrocytic 1; plus strand). Cytogenetic location: 2p16.2.
Variant type: single nucleotide variant.
Coding change: c.5881G>T on transcript NM_003128.3 (MANE Select); coding-DNA position 5881, G replaced by T.
Protein change: p.Asp1961Tyr; replaces aspartic acid 1961 with tyrosine.
Molecular consequence: missense variant.
Genome position (GRCh38, 1-based): chr2:54,655,128, G>T. VCF-style: chr2-54655128-G-T. GRCh37 (hg19) VCF-style: chr2-54882265-G-T.
Other names: c.5842G>T, p.Asp1948Tyr (NM_178313.3); short protein forms D1948Y, D1961Y.
Identifiers: ClinVar variation 4056071 (VCV004056071.2).